The following is an entry in ClinVar:

NM_015294.6(TRIM37):c.736A>T (p.Met246Leu)

Gene: TRIM37 (tripartite motif containing 37; minus strand). Cytogenetic location: 17q22.
Variant type: single nucleotide variant.
Coding change: c.736A>T on transcript NM_015294.6 (MANE Select); coding-DNA position 736, A replaced by T.
Protein change: p.Met246Leu; replaces methionine 246 with leucine.
Molecular consequence: missense variant. On other transcripts: initiator codon variant (1), non-coding transcript variant (2).
Genome position (GRCh38, 1-based): chr17:59,070,896, T>A on the plus strand (A>T on the coding strand, the complement: TRIM37 is on the minus strand). VCF-style: chr17-59070896-T-A. GRCh37 (hg19) VCF-style: chr17-57148257-T-A.
Other names: c.736A>T, p.Met246Leu (NM_001005207.5, NM_001320988.3, NM_001320989.3 and 2 more transcripts); c.634A>T, p.Met212Leu (NM_001320987.3, NM_001353082.2); c.370A>T, p.Met124Leu (NM_001320990.3); c.1A>T, p.Met1Leu (NM_001353083.2); c.274A>T, p.Met92Leu (NM_001353085.2); short protein forms M212L, M92L, M246L, M1L, M124L.
Identifiers: ClinVar variation 2269439 (VCV002269439.5), dbSNP rs373950626, ClinGen allele CA8678532.

ClinVar aggregate classification (germline): Uncertain significance. Review status: criteria provided, multiple submitters, no conflicts (2 of 4 stars). 2 submissions from 2 submitters: Uncertain significance (2). Last evaluated 2024-11-25.

Conditions:
Inborn genetic diseases. Identifiers: MedGen C0950123, MeSH D030342.

Allele frequency attached by ClinVar (database versions not stated): gnomAD 0.00001; gnomAD exomes 0.00001; TOPMed 0.00001.
gnomAD v4.1: 14 of 1,613,902 alleles (0.00087%); highest among the groups gnomAD compares: Admixed American, 0.005%; no homozygotes.

Submissions (3):

Labcorp Genetics (formerly Invitae), Labcorp
Classification: Uncertain significance. Last evaluated: 2024-11-25. Review status: criteria provided, single submitter. Criteria: Invitae Variant Classification Sherloc (09022015). Collection method: clinical testing. Allele origin: germline.
Comment: This sequence change replaces methionine, which is neutral and non-polar, with leucine, which is neutral and non-polar, at codon 246 of the TRIM37 protein (p.Met246Leu). This variant is present in population databases (rs373950626, gnomAD 0.009%). This variant has not been reported in the literature in individuals affected with TRIM37-related conditions. ClinVar contains an entry for this variant (Variation ID: 2269439). Invitae Evidence Modeling of protein sequence and biophysical properties (such as structural, functional, and spatial information, amino acid conservation, physicochemical variation, residue mobility, and thermodynamic stability) indicates that this missense variant is not expected to disrupt TRIM37 protein function with a negative predictive value of 80%. Algorithms developed to predict the effect of sequence changes on RNA splicing suggest that this variant may create or strengthen a splice site. In summary, the available evidence is currently insufficient to determine the role of this variant in disease. Therefore, it has been classified as a Variant of Uncertain Significance.

Ambry Genetics
Classification: Uncertain significance for Inborn genetic diseases. Last evaluated: 2022-01-04. Review status: criteria provided, single submitter. Criteria: Ambry Variant Classification Scheme 2023. Collection method: clinical testing. Allele origin: germline.

Dr. Peter K. Rogan Lab, Western University
No classification provided (evidence only). Condition: Malignant tumor of esophagus. Review status: no classification provided. Collection method: in vitro. Allele origin: not applicable. Functional consequence: retained intron. Not counted in ClinVar's aggregate classification.